The following is an entry in ClinVar:

ClinVar aggregate classification (germline): Uncertain significance (1 of 4 stars; one submission).

Conditions:
Autosomal dominant Parkinson disease 8. Also called: Parkinson disease 8, susceptibility to; LRRK2-Related Parkinson Disease; Parkinson disease 8. Identifiers: Orphanet 411602, MedGen C1846862, MONDO:0011764, OMIM 607060.

gnomAD v4.1: 5 of 1,613,870 alleles (0.00031%); highest among the groups gnomAD compares: Middle Eastern, 0.016%; no homozygotes.

Submission:

Labcorp Genetics (formerly Invitae), Labcorp
Classification: Uncertain significance for Autosomal dominant Parkinson disease 8. Last evaluated: 2025-11-19. Review status: criteria provided, single submitter. Criteria: Invitae Variant Classification Sherloc (09022015). Collection method: clinical testing. Allele origin: germline.
Comment: This sequence change affects codon 1073 of the LRRK2 mRNA. It is a 'silent' change, meaning that it does not change the encoded amino acid sequence of the LRRK2 protein. This variant is present in population databases (no rsID available, gnomAD 0.007%). This variant has not been reported in the literature in individuals affected with LRRK2-related conditions. Algorithms developed to predict the effect of sequence changes on RNA splicing suggest that this variant may create or strengthen a splice site. In summary, the available evidence is currently insufficient to determine the role of this variant in disease. Therefore, it has been classified as a Variant of Uncertain Significance.

NM_198578.4(LRRK2):c.3219A>G (p.Ser1073=)

Gene: LRRK2 (leucine rich repeat kinase 2; plus strand). Cytogenetic location: 12q12.
Variant type: single nucleotide variant.
Coding change: c.3219A>G on transcript NM_198578.4 (MANE Select); coding-DNA position 3219, A replaced by G.
Protein change: p.Ser1073=; no amino-acid change (serine 1073 retained).
Molecular consequence: synonymous variant.
Genome position (GRCh38, 1-based): chr12:40,298,365, A>G. VCF-style: chr12-40298365-A-G. GRCh37 (hg19) VCF-style: chr12-40692167-A-G.
Identifiers: ClinVar variation 4738741 (VCV004738741.1).